The following is an entry in ClinVar:

ClinVar aggregate classification (germline): Uncertain significance (1 of 4 stars; one submission).

Submission:

Labcorp Genetics (formerly Invitae), Labcorp
Classification: Uncertain significance. Last evaluated: 2020-11-23. Review status: criteria provided, single submitter. Criteria: Invitae Variant Classification Sherloc (09022015). Collection method: clinical testing. Allele origin: germline.
Comment: In summary, the available evidence is currently insufficient to determine the role of this variant in disease. Therefore, it has been classified as a Variant of Uncertain Significance. Algorithms developed to predict the effect of missense changes on protein structure and function are either unavailable or do not agree on the potential impact of this missense change (SIFT: "Deleterious"; PolyPhen-2: "Benign"; Align-GVGD: "Class C0"). This variant has not been reported in the literature in individuals with KMT2A-related conditions. This variant is not present in population databases (ExAC no frequency). This sequence change replaces valine with alanine at codon 2914 of the KMT2A protein (p.Val2914Ala). The valine residue is moderately conserved and there is a small physicochemical difference between valine and alanine.

NM_001197104.2(KMT2A):c.8741T>C (p.Val2914Ala)

Gene: KMT2A (lysine methyltransferase 2A; plus strand). Cytogenetic location: 11q23.3.
Variant type: single nucleotide variant.
Coding change: c.8741T>C on transcript NM_001197104.2 (MANE Select); coding-DNA position 8741, T replaced by C.
Protein change: p.Val2914Ala; replaces valine 2914 with alanine.
Molecular consequence: missense variant.
Genome position (GRCh38, 1-based): chr11:118,504,633, T>C. VCF-style: chr11-118504633-T-C. GRCh37 (hg19) VCF-style: chr11-118375348-T-C.
Other names: c.8732T>C, p.Val2911Ala (NM_005933.4); short protein forms V2914A, V2911A.
Identifiers: ClinVar variation 1465083 (VCV001465083.8), dbSNP rs2134400448, ClinGen allele CA382815878.